The following is an entry in ClinVar:

ClinVar aggregate classification (germline): Uncertain significance. Review status: criteria provided, multiple submitters, no conflicts (2 of 4 stars). 2 submissions from 2 submitters: Uncertain significance (2). Last evaluated 2022-11-19.

Conditions:
Inborn genetic diseases. Identifiers: MedGen C0950123, MeSH D030342.
Spastic paraplegia. Identifiers: MedGen C0037772, HP:0001258.

Submissions (2):

Ambry Genetics
Classification: Uncertain significance for Inborn genetic diseases. Last evaluated: 2022-11-19. Review status: criteria provided, single submitter. Criteria: Ambry Variant Classification Scheme 2023. Collection method: clinical testing. Allele origin: germline.

Labcorp Genetics (formerly Invitae), Labcorp
Classification: Uncertain significance for Spastic paraplegia. Last evaluated: 2022-06-08. Review status: criteria provided, single submitter. Criteria: Invitae Variant Classification Sherloc (09022015). Collection method: clinical testing. Allele origin: germline.
Comment: This variant is not present in population databases (gnomAD no frequency). This sequence change replaces glutamine, which is neutral and polar, with arginine, which is basic and polar, at codon 534 of the KIF5A protein (p.Gln534Arg). This variant has not been reported in the literature in individuals affected with KIF5A-related conditions. In summary, the available evidence is currently insufficient to determine the role of this variant in disease. Therefore, it has been classified as a Variant of Uncertain Significance. Advanced modeling of protein sequence and biophysical properties (such as structural, functional, and spatial information, amino acid conservation, physicochemical variation, residue mobility, and thermodynamic stability) performed at Invitae indicates that this missense variant is not expected to disrupt KIF5A protein function.

NM_004984.4(KIF5A):c.1601A>G (p.Gln534Arg)

Gene: KIF5A (kinesin family member 5A; plus strand). Cytogenetic location: 12q13.3.
Variant type: single nucleotide variant.
Coding change: c.1601A>G on transcript NM_004984.4 (MANE Select); coding-DNA position 1601, A replaced by G.
Protein change: p.Gln534Arg; replaces glutamine 534 with arginine.
Molecular consequence: missense variant.
Genome position (GRCh38, 1-based): chr12:57,572,611, A>G. VCF-style: chr12-57572611-A-G. GRCh37 (hg19) VCF-style: chr12-57966394-A-G.
Other names: c.1334A>G, p.Gln445Arg (NM_001354705.2); short protein forms Q445R, Q534R.
Identifiers: ClinVar variation 2003355 (VCV002003355.5), dbSNP rs2540504885, ClinGen allele CA385507643.